The following is an entry in ClinVar:

ClinVar aggregate classification (germline): Benign. Review status: criteria provided, multiple submitters, no conflicts (2 of 4 stars). 15 submissions from 15 submitters: Benign (11). 4 of the submissions do not count toward it. Last evaluated 2026-02-03.

Conditions:
Inborn genetic diseases. Identifiers: MedGen C0950123, MeSH D030342.
Sotos syndrome (SOTOS). Also called: SOTOS SYNDROME 1; CHROMOSOME 5q35 DELETION SYNDROME; CEREBRAL GIGANTISM; Sotos' syndrome; Distinctive facial appearance, overgrowth in childhood, and learning disabilities or delayed development. Identifiers: Orphanet 821, MedGen C0175695, MONDO:0019349, OMIM 117550.

Allele frequency attached by ClinVar (database versions not stated): gnomAD exomes 0.02273; 1000 Genomes Project 30x 0.02561; gnomAD 0.02602 and 0.02582; ESP Exome Variant Server 0.02630; ExAC 0.02364; TOPMed 0.02390.
gnomAD v4.1: 42,316 of 1,614,082 alleles (2.6%); highest among the groups gnomAD compares: Middle Eastern, 3.6%; 665 homozygotes.

Submissions (15):

Labcorp Genetics (formerly Invitae), Labcorp
Classification: Benign. Last evaluated: 2026-02-03. Review status: criteria provided, single submitter. Criteria: Invitae Variant Classification Sherloc (09022015). Collection method: clinical testing. Allele origin: germline.

Dasa
Classification: Benign. Last evaluated: 2025-11-21. Review status: criteria provided, single submitter. Criteria: DASA Assertion Criteria. Collection method: clinical testing. Allele origin: germline.
Comment: NM_022455.5(NSD1):c.3106G>C (p.Ala1036Pro) is a missense variant that results in the substitution of alanine with proline. Population frequency is inconsistent with a disease-causing role for this variant, and observations in unaffected individuals support a benign interpretation. Therefore, based on the currently available evidence, this variant is classified as benign.

ARUP Laboratories, Molecular Genetics and Genomics, ARUP Laboratories
Classification: Benign for Sotos syndrome. Last evaluated: 2025-04-30. Review status: criteria provided, single submitter. Criteria: ARUP Molecular Germline Variant Investigation Process 2024. Collection method: clinical testing. Allele origin: germline.

Blueprint Genetics
Classification: Benign. Last evaluated: 2024-11-26. Review status: criteria provided, single submitter. Criteria: ACMG Guidelines, 2015. Collection method: clinical testing. Allele origin: germline.

Genome-Nilou Lab
Classification: Benign for Sotos syndrome. Last evaluated: 2021-07-15. Review status: criteria provided, single submitter. Criteria: ACMG Guidelines, 2015. Collection method: clinical testing. Allele origin: germline. Affected: no.

Ambry Genetics
Classification: Benign for Inborn genetic diseases. Last evaluated: 2016-06-29. Review status: criteria provided, single submitter. Criteria: Ambry Variant Classification Scheme 2023. Collection method: clinical testing. Allele origin: germline.

Genomic Diagnostic Laboratory, Division of Genomic Diagnostics, Children's Hospital of Philadelphia
Classification: Benign. Last evaluated: 2015-03-25. Review status: criteria provided, single submitter. Criteria: DGD Variant Analysis Guidelines. Collection method: clinical testing. Allele origin: unknown.

GeneDx
Classification: Benign. Last evaluated: 2015-03-03. Review status: criteria provided, single submitter. Criteria: GeneDx Variant Classification Process June 2021. Collection method: clinical testing. Allele origin: germline. Affected: yes.
Comment: This variant is associated with the following publications: (PMID: 27153395, 27058611)

Eurofins Ntd Llc (ga)
Classification: Benign. Last evaluated: 2014-04-07. Review status: criteria provided, single submitter. Criteria: EGL Classification Definitions 2015. Collection method: clinical testing. Allele origin: germline. Observed: 6 variant alleles, 6 heterozygotes.

Genetic Services Laboratory, University of Chicago
Classification: Benign. Last evaluated: 2013-02-08. Review status: criteria provided, single submitter. Criteria: ACMG Guidelines, 2007. Collection method: clinical testing. Allele origin: germline. Inheritance: Autosomal dominant inheritance.

PreventionGenetics, part of Exact Sciences
Classification: Benign. Review status: criteria provided, single submitter. Criteria: ACMG Guidelines, 2015. Collection method: clinical testing. Allele origin: germline.

Clinical Genetics DNA and cytogenetics Diagnostics Lab, Erasmus MC, Erasmus Medical Center
Classification: Benign. Review status: no assertion criteria provided. Collection method: clinical testing. Allele origin: germline. Affected: yes. Study: VKGL Data-share Consensus. Not counted in ClinVar's aggregate classification.

Genome Diagnostics Laboratory, University Medical Center Utrecht
Classification: Benign. Review status: no assertion criteria provided. Collection method: clinical testing. Allele origin: germline. Affected: yes. Study: VKGL Data-share Consensus. Not counted in ClinVar's aggregate classification.

Joint Genome Diagnostic Labs from Nijmegen and Maastricht, Radboudumc and MUMC+
Classification: Benign. Review status: no assertion criteria provided. Collection method: clinical testing. Allele origin: germline. Affected: yes. Study: VKGL Data-share Consensus. Not counted in ClinVar's aggregate classification.

Laboratory of Diagnostic Genome Analysis, Leiden University Medical Center (LUMC)
Classification: Likely benign. Review status: no assertion criteria provided. Collection method: clinical testing. Allele origin: germline. Affected: yes. Study: VKGL Data-share Consensus. Not counted in ClinVar's aggregate classification.

NM_022455.5(NSD1):c.3106G>C (p.Ala1036Pro)

Gene: NSD1 (nuclear receptor binding SET domain protein 1; plus strand). Cytogenetic location: 5q35.3.
Variant type: single nucleotide variant.
Coding change: c.3106G>C on transcript NM_022455.5 (MANE Select); coding-DNA position 3106, G replaced by C.
Protein change: p.Ala1036Pro; replaces alanine 1036 with proline.
Molecular consequence: missense variant.
Genome position (GRCh38, 1-based): chr5:177,211,505, G>C. VCF-style: chr5-177211505-G-C. GRCh37 (hg19) VCF-style: chr5-176638506-G-C.
Other names: c.2233G>C, p.Ala745Pro (NM_001409309.1, NM_172349.5, NM_001365684.2 and 3 more transcripts); c.3106G>C, p.Ala1036Pro (NM_001409301.1, NM_001409302.1, NM_001409303.1); c.2686G>C, p.Ala896Pro (NM_001409304.1); c.2353G>C, p.Ala785Pro (NM_001409305.1); short protein forms A767P, A745P, A785P, A896P.
Identifiers: ClinVar variation 159301 (VCV000159301.34), dbSNP rs28932179, ClinGen allele CA248755.